The following is an entry in ClinVar:

NM_004523.4(KIF11):c.2564G>C (p.Cys855Ser)

Gene: KIF11 (kinesin family member 11; plus strand). Cytogenetic location: 10q23.33.
Variant type: single nucleotide variant.
Coding change: c.2564G>C on transcript NM_004523.4 (MANE Select); coding-DNA position 2564, G replaced by C.
Protein change: p.Cys855Ser; replaces cysteine 855 with serine.
Molecular consequence: missense variant.
Genome position (GRCh38, 1-based): chr10:92,648,228, G>C. VCF-style: chr10-92648228-G-C. GRCh37 (hg19) VCF-style: chr10-94407985-G-C.
Other names: short protein forms C855S.
Identifiers: ClinVar variation 2786311 (VCV002786311.3), dbSNP rs2492540793, ClinGen allele CA377805326.

ClinVar aggregate classification (germline): Uncertain significance (1 of 4 stars; one submission).

Allele frequency attached by ClinVar (database versions not stated): gnomAD exomes below 0.00001.
gnomAD v4.1: 2 of 1,606,934 alleles (0.00012%); highest among the groups gnomAD compares: African/African-American, 0.0027%; no homozygotes.

Submission:

Labcorp Genetics (formerly Invitae), Labcorp
Classification: Uncertain significance. Last evaluated: 2023-03-19. Review status: criteria provided, single submitter. Criteria: Invitae Variant Classification Sherloc (09022015). Collection method: clinical testing. Allele origin: germline.
Comment: This variant has not been reported in the literature in individuals affected with KIF11-related conditions. In summary, the available evidence is currently insufficient to determine the role of this variant in disease. Therefore, it has been classified as a Variant of Uncertain Significance. Advanced modeling of protein sequence and biophysical properties (such as structural, functional, and spatial information, amino acid conservation, physicochemical variation, residue mobility, and thermodynamic stability) performed at Invitae indicates that this missense variant is not expected to disrupt KIF11 protein function. This variant is not present in population databases (gnomAD no frequency). This sequence change replaces cysteine, which is neutral and slightly polar, with serine, which is neutral and polar, at codon 855 of the KIF11 protein (p.Cys855Ser).